The following is an entry in ClinVar:

ClinVar aggregate classification (germline): Likely benign (1 of 4 stars; one submission).

gnomAD v4.1: 53 of 1,613,244 alleles (0.0033%); highest among the groups gnomAD compares: Non-Finnish European, 0.0045%; no homozygotes.

Submission:

Mayo Clinic Laboratories, Mayo Clinic
Classification: Likely benign. Last evaluated: 2025-05-06. Review status: criteria provided, single submitter. Criteria: ACMG Guidelines, 2015. Collection method: clinical testing. Allele origin: germline. Observed: 1 variant allele.
Comment: BP4, BP7

NM_020442.6(VARS2):c.387C>T (p.Ala129=)

Gene: VARS2 (valyl-tRNA synthetase 2, mitochondrial; plus strand). Cytogenetic location: 6p21.33.
Variant type: single nucleotide variant.
Coding change: c.387C>T on transcript NM_020442.6 (MANE Select); coding-DNA position 387, C replaced by T.
Protein change: p.Ala129=; no amino-acid change (alanine 129 retained).
Molecular consequence: synonymous variant. On other transcripts: 5 prime UTR variant (1).
Genome position (GRCh38, 1-based): chr6:30,915,748, C>T. VCF-style: chr6-30915748-C-T. GRCh37 (hg19) VCF-style: chr6-30883525-C-T.
Other names: p.Ala159=; c.-34C>T (NM_001167733.3); c.477C>T, p.Ala159= (NM_001167734.2).
Identifiers: ClinVar variation 4684911 (VCV004684911.1).